The following is an entry in ClinVar:

NM_000393.5(COL5A2):c.73A>C (p.Lys25Gln)

Gene: COL5A2 (collagen type V alpha 2 chain; minus strand). Cytogenetic location: 2q32.2.
Variant type: single nucleotide variant.
Coding change: c.73A>C on transcript NM_000393.5 (MANE Select); coding-DNA position 73, A replaced by C.
Protein change: p.Lys25Gln; replaces lysine 25 with glutamine.
Molecular consequence: missense variant.
Genome position (GRCh38, 1-based): chr2:189,179,532, T>G on the plus strand (A>C on the coding strand, the complement: COL5A2 is on the minus strand). VCF-style: chr2-189179532-T-G. GRCh37 (hg19) VCF-style: chr2-190044258-T-G.
Other names: short protein forms K25Q.
Identifiers: ClinVar variation 971717 (VCV000971717.11), dbSNP rs1688743702, ClinGen allele CA349986217.

ClinVar aggregate classification (germline): Uncertain significance (1 of 4 stars; one submission).

Conditions:
Ehlers-Danlos syndrome, classic type, 1 (EDSCL1). Also called: EHLERS-DANLOS SYNDROME, GRAVIS TYPE; EHLERS-DANLOS SYNDROME, SEVERE CLASSIC TYPE; EDS I; Ehlers-Danlos Syndrome, Classic Type, COL5A1-Related; Ehlers-Danlos syndrome, type 1. Identifiers: MedGen C0268335, MONDO:0019567, OMIM 130000.

Submission:

Labcorp Genetics (formerly Invitae), Labcorp
Classification: Uncertain significance for Ehlers-Danlos syndrome, classic type, 1. Last evaluated: 2024-12-23. Review status: criteria provided, single submitter. Criteria: Invitae Variant Classification Sherloc (09022015). Collection method: clinical testing. Allele origin: germline.
Comment: This sequence change replaces lysine, which is basic and polar, with glutamine, which is neutral and polar, at codon 25 of the COL5A2 protein (p.Lys25Gln). This variant is not present in population databases (gnomAD no frequency). This variant has not been reported in the literature in individuals affected with COL5A2-related conditions. ClinVar contains an entry for this variant (Variation ID: 971717). Invitae Evidence Modeling of protein sequence and biophysical properties (such as structural, functional, and spatial information, amino acid conservation, physicochemical variation, residue mobility, and thermodynamic stability) indicates that this missense variant is not expected to disrupt COL5A2 protein function with a negative predictive value of 95%. In summary, the available evidence is currently insufficient to determine the role of this variant in disease. Therefore, it has been classified as a Variant of Uncertain Significance.